The following is an entry in ClinVar:

ClinVar aggregate classification (germline): Uncertain significance (1 of 4 stars; one submission).

Conditions:
Cardiovascular phenotype. Identifiers: MedGen CN230736.

gnomAD v4.1: 6 of 1,613,814 alleles (0.00037%); highest among the groups gnomAD compares: East Asian, 0.011%; no homozygotes.

Submission:

Ambry Genetics
Classification: Uncertain significance for Cardiovascular phenotype. Last evaluated: 2025-12-26. Review status: criteria provided, single submitter. Criteria: Ambry Variant Classification Scheme 2023. Collection method: clinical testing. Allele origin: germline.
Comment: The p.D334E variant (also known as c.1002C>A), located in coding exon 8 of the DSP gene, results from a C to A substitution at nucleotide position 1002. The aspartic acid at codon 334 is replaced by glutamic acid, an amino acid with highly similar properties. This amino acid position is conserved. In addition, this alteration is predicted to be tolerated by in silico analysis. Based on the available evidence, the clinical significance of this variant remains unclear.

NM_004415.4(DSP):c.1002C>A (p.Asp334Glu)

Gene: DSP (desmoplakin; plus strand). Cytogenetic location: 6p24.3.
Variant type: single nucleotide variant.
Coding change: c.1002C>A on transcript NM_004415.4 (MANE Select); coding-DNA position 1002, C replaced by A.
Protein change: p.Asp334Glu; replaces aspartic acid 334 with glutamic acid.
Molecular consequence: missense variant.
Genome position (GRCh38, 1-based): chr6:7,566,439, C>A. VCF-style: chr6-7566439-C-A. GRCh37 (hg19) VCF-style: chr6-7566672-C-A.
Other names: c.1002C>A, p.Asp334Glu (NM_001008844.3, NM_001319034.2, NM_001406591.1); short protein forms D334E.
Identifiers: ClinVar variation 4843723 (VCV004843723.1).